The following is an entry in ClinVar:

NM_001197104.2(KMT2A):c.3449G>A (p.Arg1150His)

Gene: KMT2A (lysine methyltransferase 2A; plus strand). Cytogenetic location: 11q23.3.
Variant type: single nucleotide variant.
Coding change: c.3449G>A on transcript NM_001197104.2 (MANE Select); coding-DNA position 3449, G replaced by A.
Protein change: p.Arg1150His; replaces arginine 1150 with histidine.
Molecular consequence: missense variant.
Genome position (GRCh38, 1-based): chr11:118,478,081, G>A. VCF-style: chr11-118478081-G-A. GRCh37 (hg19) VCF-style: chr11-118348796-G-A.
Other names: c.3548G>A, p.Arg1183His (NM_001412597.1); c.3449G>A, p.Arg1150His (NM_005933.4); short protein forms R1183H, R1150H.
Identifiers: ClinVar variation 2006821 (VCV002006821.4), dbSNP rs2134286849, ClinGen allele CA382824729.

ClinVar aggregate classification (germline): Uncertain significance (1 of 4 stars; one submission).

Allele frequency attached by ClinVar (database versions not stated): gnomAD exomes below 0.00001.
gnomAD v4.1: 3 of 1,614,130 alleles (0.00019%); highest among the groups gnomAD compares: Non-Finnish European, 0.00025%; no homozygotes.

Submission:

Labcorp Genetics (formerly Invitae), Labcorp
Classification: Uncertain significance. Last evaluated: 2024-06-17. Review status: criteria provided, single submitter. Criteria: Invitae Variant Classification Sherloc (09022015). Collection method: clinical testing. Allele origin: germline.
Comment: This sequence change replaces arginine, which is basic and polar, with histidine, which is basic and polar, at codon 1150 of the KMT2A protein (p.Arg1150His). This variant is not present in population databases (gnomAD no frequency). This variant has not been reported in the literature in individuals affected with KMT2A-related conditions. ClinVar contains an entry for this variant (Variation ID: 2006821). Advanced modeling of protein sequence and biophysical properties (such as structural, functional, and spatial information, amino acid conservation, physicochemical variation, residue mobility, and thermodynamic stability) has been performed at Invitae for this missense variant, however the output from this modeling did not meet the statistical confidence thresholds required to predict the impact of this variant on KMT2A protein function. In summary, the available evidence is currently insufficient to determine the role of this variant in disease. Therefore, it has been classified as a Variant of Uncertain Significance.